The following is an entry in ClinVar:

ClinVar aggregate classification (germline): Likely benign. Review status: criteria provided, multiple submitters, no conflicts (2 of 4 stars). 5 submissions from 5 submitters: Likely benign (5). Last evaluated 2024-11-26.

Conditions:
Familial thoracic aortic aneurysm and aortic dissection (TAAD). Also called: Thoracic aortic aneurysms and dissections. Identifiers: Orphanet 91387, MedGen C4707243, MONDO:0019625.
Marfan syndrome (MFS). Also called: Marfan syndrome, classic; Marfan syndrome type 1; Marfan's syndrome; MARFAN SYNDROME, TYPE I; FBN1-Related Marfan Syndrome. Identifiers: Orphanet 284963, Orphanet 558, MedGen C0024796, MONDO:0007947, OMIM 154700.

Allele frequency attached by ClinVar (database versions not stated): TOPMed below 0.00001; ExAC 0.00001; gnomAD exomes 0.00001.
gnomAD v4.1: 14 of 1,613,970 alleles (0.00087%); highest among the groups gnomAD compares: South Asian, 0.0044%; no homozygotes.

Submissions (5):

Labcorp Genetics (formerly Invitae), Labcorp
Classification: Likely benign for Marfan syndrome; Familial thoracic aortic aneurysm and aortic dissection. Last evaluated: 2024-11-26. Review status: criteria provided, single submitter. Criteria: Invitae Variant Classification Sherloc (09022015). Collection method: clinical testing. Allele origin: germline.

All of Us Research Program, National Institutes of Health
Classification: Likely benign for Marfan syndrome. Last evaluated: 2024-06-17. Review status: criteria provided, single submitter. Criteria: ACMG Guidelines, 2015. Collection method: clinical testing. Allele origin: germline. Inheritance: Autosomal dominant inheritance. Observed: 2 variant alleles, 2 heterozygotes.
Comment: This study involves interpretation of variants in research participants for the purpose of population health screening. Participant phenotype was not available at the time of variant classification. Additional details can be found in publication PMID: 35346344, PMCID: PMC8962531

CHEO Genetics Diagnostic Laboratory, Children's Hospital of Eastern Ontario
Classification: Likely benign for Familial thoracic aortic aneurysm and aortic dissection. Last evaluated: 2021-06-03. Review status: criteria provided, single submitter. Criteria: ACMG Guidelines, 2015. Collection method: clinical testing. Allele origin: germline.

Blueprint Genetics
Classification: Likely benign. Last evaluated: 2020-04-29. Review status: criteria provided, single submitter. Criteria: ACMG Guidelines, 2015. Collection method: clinical testing. Allele origin: germline.

Color Diagnostics, LLC DBA Color Health
Classification: Likely benign for Familial thoracic aortic aneurysm and aortic dissection. Last evaluated: 2019-11-06. Review status: criteria provided, single submitter. Criteria: ACMG Guidelines, 2015. Collection method: clinical testing. Allele origin: germline.

NM_000138.5(FBN1):c.1476T>C (p.Asp492=)

Gene: FBN1 (fibrillin 1; minus strand). Cytogenetic location: 15q21.1.
Variant type: single nucleotide variant.
Coding change: c.1476T>C on transcript NM_000138.5 (MANE Select); coding-DNA position 1476, T replaced by C.
Protein change: p.Asp492=; no amino-acid change (aspartic acid 492 retained).
Molecular consequence: synonymous variant.
Genome position (GRCh38, 1-based): chr15:48,513,661, A>G on the plus strand (T>C on the coding strand, the complement: FBN1 is on the minus strand). VCF-style: chr15-48513661-A-G. GRCh37 (hg19) VCF-style: chr15-48805858-A-G.
Identifiers: ClinVar variation 413897 (VCV000413897.16), dbSNP rs758967612, ClinGen allele CA044849.
Genomic context (GRCh38, chr15:48,513,661, plus strand): 5'-GGTGTACGAACCCTGGTTGTTAATACACTCACCACCAGCACAGGGGTTTTTCTCACATTC[A>G]TCAACATCTGCAAAGCACAATGTATTTTAGTGCAAAATTACATAGCAATACCTCATAATT-3'
Protein context (NP_000129.3, residues 482-502): LDLRGECIDV[Asp492=]ECEKNPCAGG